The following is an entry in ClinVar:

ClinVar aggregate classification (germline): Uncertain significance (1 of 4 stars; one submission).

Submission:

Labcorp Genetics (formerly Invitae), Labcorp
Classification: Uncertain significance. Last evaluated: 2021-05-25. Review status: criteria provided, single submitter. Criteria: Invitae Variant Classification Sherloc (09022015). Collection method: clinical testing. Allele origin: germline.
Comment: In summary, the available evidence is currently insufficient to determine the role of this variant in disease. Therefore, it has been classified as a Variant of Uncertain Significance. Algorithms developed to predict the effect of missense changes on protein structure and function are either unavailable or do not agree on the potential impact of this missense change (SIFT: "Deleterious"; PolyPhen-2: "Benign"; Align-GVGD: "Class C0"). This variant has not been reported in the literature in individuals with STAT4-related conditions. This variant is not present in population databases (ExAC no frequency). This sequence change replaces alanine with valine at codon 117 of the STAT4 protein (p.Ala117Val). The alanine residue is moderately conserved and there is a small physicochemical difference between alanine and valine.

NM_003151.4(STAT4):c.350C>T (p.Ala117Val)

Gene: STAT4 (signal transducer and activator of transcription 4; minus strand). Cytogenetic location: 2q32.2.
Variant type: single nucleotide variant.
Coding change: c.350C>T on transcript NM_003151.4 (MANE Select); coding-DNA position 350, C replaced by T.
Protein change: p.Ala117Val; replaces alanine 117 with valine.
Molecular consequence: missense variant.
Genome position (GRCh38, 1-based): chr2:191,076,249, G>A on the plus strand (C>T on the coding strand, the complement: STAT4 is on the minus strand). VCF-style: chr2-191076249-G-A. GRCh37 (hg19) VCF-style: chr2-191940975-G-A.
Other names: c.350C>T, p.Ala117Val (NM_001243835.2); short protein forms A117V.
Identifiers: ClinVar variation 1397224 (VCV001397224.8), dbSNP rs2125268711, ClinGen allele CA349920420.